The following is an entry in ClinVar:

ClinVar aggregate classification (germline): Likely pathogenic (1 of 4 stars; one submission).

Conditions:
PODXL-related disorder. Also called: PODXL-related condition.

gnomAD v4.1: 1 of 1,609,590 alleles (0.000062%); highest among the groups gnomAD compares: African/African-American, 0.0013%; no homozygotes.

Submission:

3billion
Classification: Likely pathogenic for PODXL-related disorder. Last evaluated: 2025-05-21. Review status: criteria provided, single submitter. Criteria: ACMG Guidelines, 2015. Collection method: clinical testing. Allele origin: germline. Affected: yes.
Comment: The variant is observed at an extremely low frequency in the gnomAD v4.1.0 dataset (total allele frequency: <0.001%). Predicted Consequence/Location: Canonical splice site: predicted to alter splicing and result in a loss or disruption of normal protein function. Multiple pathogenic loss-of-function variants are reported downstream of the variant. In silico tools predict the variant to alter splicing and produce an abnormal transcript [SpliceAI: 0.98 (spliceogenicity >=0.2, non-spliceogenicity <0.1)]. Therefore, this variant is classified as Likely pathogenic according to the recommendation of ACMG/AMP guideline.

NM_001018111.3(PODXL):c.1101+2T>C

Gene: PODXL (podocalyxin like; minus strand). Cytogenetic location: 7q32.3.
Variant type: single nucleotide variant.
Coding change: c.1101+2T>C on transcript NM_001018111.3 (MANE Select); the canonical splice donor site of the intron after coding-DNA position 1101, T replaced by C.
Molecular consequence: splice donor variant.
Genome position (GRCh38, 1-based): chr7:131,508,949, A>G on the plus strand (T>C on the coding strand, the complement: PODXL is on the minus strand). VCF-style: chr7-131508949-A-G. GRCh37 (hg19) VCF-style: chr7-131193708-A-G.
Other names: c.1005+2T>C (NM_005397.4).
Identifiers: ClinVar variation 4854102 (VCV004854102.1).